The following is an entry in ClinVar:

ClinVar aggregate classification (germline): Uncertain significance (1 of 4 stars; one submission).

Allele frequency attached by ClinVar (database versions not stated): gnomAD 0.00001; ExAC 0.00002; TOPMed 0.00003; ESP Exome Variant Server 0.00008.
gnomAD v4.1: 30 of 1,613,890 alleles (0.0019%); highest among the groups gnomAD compares: Middle Eastern, 0.016%; no homozygotes.

Submission:

Labcorp Genetics (formerly Invitae), Labcorp
Classification: Uncertain significance. Last evaluated: 2022-09-07. Review status: criteria provided, single submitter. Criteria: Invitae Variant Classification Sherloc (09022015). Collection method: clinical testing. Allele origin: germline.
Comment: In summary, the available evidence is currently insufficient to determine the role of this variant in disease. Therefore, it has been classified as a Variant of Uncertain Significance. Algorithms developed to predict the effect of sequence changes on RNA splicing suggest that this variant may create or strengthen a splice site. Algorithms developed to predict the effect of missense changes on protein structure and function (SIFT, PolyPhen-2, Align-GVGD) all suggest that this variant is likely to be disruptive. This variant has not been reported in the literature in individuals affected with HMCN1-related conditions. This variant is present in population databases (rs149384716, gnomAD 0.002%). This sequence change replaces glycine, which is neutral and non-polar, with arginine, which is basic and polar, at codon 4855 of the HMCN1 protein (p.Gly4855Arg).

NM_031935.3(HMCN1):c.14563G>A (p.Gly4855Arg)

Gene: HMCN1 (hemicentin 1; plus strand). Cytogenetic location: 1q31.1.
Variant type: single nucleotide variant.
Coding change: c.14563G>A on transcript NM_031935.3 (MANE Select); coding-DNA position 14563, G replaced by A.
Protein change: p.Gly4855Arg; replaces glycine 4855 with arginine.
Molecular consequence: missense variant.
Genome position (GRCh38, 1-based): chr1:186,145,878, G>A. VCF-style: chr1-186145878-G-A. GRCh37 (hg19) VCF-style: chr1-186115010-G-A.
Other names: short protein forms G4855R.
Identifiers: ClinVar variation 1914986 (VCV001914986.5), dbSNP rs149384716, ClinGen allele CA1294989.